The following is an entry in ClinVar:

ClinVar aggregate classification (germline): Likely benign. Review status: criteria provided, multiple submitters, no conflicts (2 of 4 stars). 2 submissions from 2 submitters: Likely benign (2). Last evaluated 2020-06-02.

Allele frequency attached by ClinVar (database versions not stated): gnomAD exomes below 0.00001.

Submissions (2):

Labcorp Genetics (formerly Invitae), Labcorp
Classification: Likely benign. Last evaluated: 2020-06-02. Review status: criteria provided, single submitter. Criteria: Invitae Variant Classification Sherloc (09022015). Collection method: clinical testing. Allele origin: germline.

Laboratory for Molecular Medicine, Mass General Brigham Personalized Medicine
Classification: Likely benign. Last evaluated: 2014-03-04. Review status: criteria provided, single submitter. Criteria: LMM Criteria. Collection method: clinical testing. Allele origin: germline. Observed: 1 variant allele.
Comment: His198His in Exon 2 of USH1G: This variant is not expected to have clinical sig nificance because it does not alter an amino acid residue and is not located wit hin the splice consensus sequence.

NM_173477.5(USH1G):c.594C>T (p.His198=)

Gene: USH1G (USH1 protein network component sans; minus strand). Cytogenetic location: 17q25.1.
Variant type: single nucleotide variant.
Coding change: c.594C>T on transcript NM_173477.5 (MANE Select); coding-DNA position 594, C replaced by T.
Protein change: p.His198=; no amino-acid change (histidine 198 retained).
Molecular consequence: synonymous variant.
Genome position (GRCh38, 1-based): chr17:74,920,242, G>A on the plus strand (C>T on the coding strand, the complement: USH1G is on the minus strand). VCF-style: chr17-74920242-G-A. GRCh37 (hg19) VCF-style: chr17-72916337-G-A.
Other names: c.285C>T, p.His95= (NM_001282489.3).
Identifiers: ClinVar variation 166401 (VCV000166401.13), dbSNP rs727503713, ClinGen allele CA179497.